The following is an entry in ClinVar:

NM_000128.4(F11):c.1346dup (p.Leu449fs)

Gene: F11 (coagulation factor XI; plus strand). Cytogenetic location: 4q35.2.
Variant type: Duplication.
Coding change: c.1346dup on transcript NM_000128.4 (MANE Select); coding-DNA position 1346, one base duplicated (T; older notation c.1346dupT).
Protein change: p.Leu449fs; shifts the reading frame from leucine 449.
Molecular consequence: frameshift variant.
Genome position (GRCh38, 1-based): chr4:186,285,679, T duplicated; the last of 4 consecutive T bases (chr4:186,285,676-186,285,679); duplicating any one gives the same sequence. VCF-style (leftmost placement, unchanged base first): chr4-186285675-A-AT. GRCh37 (hg19) VCF-style: chr4-187206829-A-AT.
Other names: c.1298dup, p.Leu433fs (NM_001440590.1, NM_001440596.1); c.1346dup, p.Leu449fs (NM_001440593.1); c.1076dup, p.Leu359fs (NM_001440605.1, NM_001440607.1); c.1028dup, p.Leu343fs (NM_001440606.1, NM_001440608.1); short protein forms L343fs, L359fs, L433fs, L449fs.
Identifiers: ClinVar variation 5010373 (VCV005010373.1).
Genomic context (GRCh38, chr4:186,285,675, plus strand): 5'-TCCCTCTGTTGTTTGCTCCTTAGGGTAGAGTCACCTAAGATTTTGCGTGTCTACAGTGGC[A>AT]TTTTAAATCAATCTGAAATAAAAGAGGACACATCTTTCTTTGGGGTTCAAGAAATAATAA-3'

ClinVar aggregate classification (germline): Pathogenic (1 of 4 stars; one submission).

Conditions:
Hereditary factor XI deficiency disease. Also called: PLASMA THROMBOPLASTIN ANTECEDENT DEFICIENCY; PTA DEFICIENCY; ROSENTHAL SYNDROME; Congenital factor XI deficiency. Identifiers: Orphanet 329, MedGen C0015523, MeSH D005173, MONDO:0012897, OMIM 612416.

Submission:

Myriad Genetics, Inc.
Classification: Pathogenic for Hereditary factor XI deficiency disease. Last evaluated: 2024-05-14. Review status: criteria provided, single submitter. Criteria: Myriad Autosomal Dominant, Autosomal Recessive and X-Linked Classification Criteria (2023). Collection method: clinical testing. Allele origin: unknown.
Comment: NM_000128.3(F11):c.1346dupT(L449Ffs*5) is expected to be pathogenic in the context of factor XI deficiency. This variant is predicted to lead to an abnormal or absent protein product due to the creation of a premature termination codon in F11, a gene where loss-of-function variants are known to be pathogenic. Please note: this variant was assessed in the context of healthy population screening.